The following is an entry in ClinVar:

NM_000264.5(PTCH1):c.627del (p.Ile210fs)

Gene: PTCH1 (patched 1; minus strand). Cytogenetic location: 9q22.32.
Variant type: Deletion.
Coding change: c.627del on transcript NM_000264.5 (MANE Select); coding-DNA position 627, one base deleted (T; older notation c.627delT).
Protein change: p.Ile210fs; shifts the reading frame from isoleucine 210.
Molecular consequence: frameshift variant. On other transcripts: non-coding transcript variant (1).
Genome position (GRCh38, 1-based): chr9:95,482,161, A deleted on the plus strand (T on the coding strand, the reverse complement: PTCH1 is on the minus strand); the first of 2 consecutive A bases (chr9:95,482,161-95,482,162); deleting either gives the same sequence. VCF-style (leftmost placement, unchanged base first): chr9-95482160-TA-T. GRCh37 (hg19) VCF-style: chr9-98244442-TA-T.
Other names: c.429del, p.Ile144fs (NM_001083602.3, NM_001354919.2); c.624del, p.Ile209fs (NM_001083603.3); c.174del, p.Ile59fs (NM_001083604.3, NM_001083605.3, NM_001083606.3 and 1 more transcripts); c.627del, p.Ile210fs (NM_001354918.2); short protein forms I209fs, I144fs, I210fs, I59fs.
Identifiers: ClinVar variation 580040 (VCV000580040.7), dbSNP rs1564058222, ClinGen allele CA891843146.

ClinVar aggregate classification (germline): Pathogenic (1 of 4 stars; one submission).

Conditions:
Gorlin syndrome. Also called: Basal cell nevus syndrome; Nevoid Basal Cell Carcinoma Syndrome. Identifiers: Orphanet 377, MedGen C0004779, MONDO:0007187.

Submission:

Labcorp Genetics (formerly Invitae), Labcorp
Classification: Pathogenic for Gorlin syndrome. Last evaluated: 2018-03-03. Review status: criteria provided, single submitter. Criteria: Invitae Variant Classification Sherloc (09022015). Collection method: clinical testing. Allele origin: germline.
Comment: For these reasons, this variant has been classified as Pathogenic. Loss-of-function variants in PTCH1 are known to be pathogenic (PMID: 16301862, 16419085). This variant has not been reported in the literature in individuals with PTCH1-related disease. This variant is not present in population databases (ExAC no frequency). This sequence change creates a premature translational stop signal (p.Ile210Serfs*10) in the PTCH1 gene. It is expected to result in an absent or disrupted protein product.

Literature cited by the submitters: PubMed 16301862; PubMed 16419085.